The following is an entry in ClinVar:

ClinVar aggregate classification (germline): Uncertain significance. Review status: criteria provided, multiple submitters, no conflicts (2 of 4 stars). 2 submissions from 2 submitters: Uncertain significance (2). Last evaluated 2025-03-30.

Conditions:
Hereditary cancer-predisposing syndrome. Also called: Hereditary Cancer Syndrome; Neoplastic Syndromes, Hereditary; Hereditary neoplastic syndrome; Tumor predisposition. Identifiers: Orphanet 140162, MedGen C0027672, MeSH D009386, MONDO:0015356.
Juvenile polyposis syndrome (JPS). Identifiers: Orphanet 2929, MedGen C0345893, MONDO:0017380, OMIM 174900.

gnomAD v4.1: 1 of 1,614,170 alleles (0.000062%); highest among the groups gnomAD compares: South Asian, 0.0011%; no homozygotes.

Submissions (2):

Ambry Genetics
Classification: Uncertain significance for Hereditary cancer-predisposing syndrome. Last evaluated: 2025-03-30. Review status: criteria provided, single submitter. Criteria: Ambry Variant Classification Scheme 2023. Collection method: clinical testing. Allele origin: germline.
Comment: The p.F433L variant (also known as c.1299C>G), located in coding exon 9 of the BMPR1A gene, results from a C to G substitution at nucleotide position 1299. The phenylalanine at codon 433 is replaced by leucine, an amino acid with highly similar properties. This amino acid position is conserved. In addition, the in silico prediction for this alteration is inconclusive. Based on the available evidence, the clinical significance of this variant remains unclear.

Labcorp Genetics (formerly Invitae), Labcorp
Classification: Uncertain significance for Juvenile polyposis syndrome. Last evaluated: 2023-10-10. Review status: criteria provided, single submitter. Criteria: Invitae Variant Classification Sherloc (09022015). Collection method: clinical testing. Allele origin: germline.
Comment: This sequence change replaces phenylalanine, which is neutral and non-polar, with leucine, which is neutral and non-polar, at codon 433 of the BMPR1A protein (p.Phe433Leu). This variant is not present in population databases (gnomAD no frequency). This variant has not been reported in the literature in individuals affected with BMPR1A-related conditions. ClinVar contains an entry for this variant (Variation ID: 2126839). Advanced modeling of protein sequence and biophysical properties (such as structural, functional, and spatial information, amino acid conservation, physicochemical variation, residue mobility, and thermodynamic stability) has been performed at Invitae for this missense variant, however the output from this modeling did not meet the statistical confidence thresholds required to predict the impact of this variant on BMPR1A protein function. In summary, the available evidence is currently insufficient to determine the role of this variant in disease. Therefore, it has been classified as a Variant of Uncertain Significance.

NM_004329.3(BMPR1A):c.1299C>G (p.Phe433Leu)

Gene: BMPR1A (bone morphogenetic protein receptor type 1A; plus strand). Cytogenetic location: 10q23.2.
Variant type: single nucleotide variant.
Coding change: c.1299C>G on transcript NM_004329.3 (MANE Select); coding-DNA position 1299, C replaced by G.
Protein change: p.Phe433Leu; replaces phenylalanine 433 with leucine.
Molecular consequence: missense variant.
Genome position (GRCh38, 1-based): chr10:86,921,652, C>G. VCF-style: chr10-86921652-C-G. GRCh37 (hg19) VCF-style: chr10-88681409-C-G.
Other names: c.1374C>G, p.Phe458Leu (NM_001406559.1); c.1347C>G, p.Phe449Leu (NM_001406560.1); c.1299C>G, p.Phe433Leu (NM_001406561.1, NM_001406562.1, NM_001406563.1 and 19 more transcripts); c.1293C>G, p.Phe431Leu (NM_001406583.1); c.1215C>G, p.Phe405Leu (NM_001406584.1, NM_001406585.1, NM_001406586.1 and 2 more transcripts); c.957C>G, p.Phe319Leu (NM_001406589.1); short protein forms F319L, F431L, F405L, F433L, F449L, F458L.
Identifiers: ClinVar variation 2126839 (VCV002126839.5), dbSNP rs150946485, ClinGen allele CA377462316.